The following is an entry in ClinVar:

NM_144997.7(FLCN):c.704G>A (p.Gly235Asp)

Gene: FLCN (folliculin; minus strand). Cytogenetic location: 17p11.2.
Variant type: single nucleotide variant.
Coding change: c.704G>A on transcript NM_144997.7 (MANE Select); coding-DNA position 704, G replaced by A.
Protein change: p.Gly235Asp; replaces glycine 235 with aspartic acid.
Molecular consequence: missense variant.
Genome position (GRCh38, 1-based): chr17:17,222,576, C>T on the plus strand (G>A on the coding strand, the complement: FLCN is on the minus strand). VCF-style: chr17-17222576-C-T. GRCh37 (hg19) VCF-style: chr17-17125890-C-T.
Other names: c.758G>A, p.Gly253Asp (NM_001353229.2); c.704G>A, p.Gly235Asp (NM_001353230.2, NM_001353231.2, NM_144606.7); short protein forms G235D, G253D.
Identifiers: ClinVar variation 3229258 (VCV003229258.3), dbSNP rs2544233773, ClinGen allele CA398533965.

ClinVar aggregate classification (germline): Uncertain significance. Review status: criteria provided, multiple submitters, no conflicts (2 of 4 stars). 2 submissions from 2 submitters: Uncertain significance (2). Last evaluated 2024-04-29.

Conditions:
Hereditary cancer-predisposing syndrome. Also called: Hereditary Cancer Syndrome; Tumor predisposition; Neoplastic Syndromes, Hereditary; Hereditary neoplastic syndrome. Identifiers: Orphanet 140162, MedGen C0027672, MeSH D009386, MONDO:0015356.
Birt-Hogg-Dube syndrome. Also called: Birt Hogg Dubé syndrome. Identifiers: Orphanet 122, MedGen C0346010, MONDO:0800444.

Submissions (2):

Labcorp Genetics (formerly Invitae), Labcorp
Classification: Uncertain significance for Birt-Hogg-Dube syndrome. Last evaluated: 2024-04-29. Review status: criteria provided, single submitter. Criteria: Invitae Variant Classification Sherloc (09022015). Collection method: clinical testing. Allele origin: germline.
Comment: This sequence change replaces glycine, which is neutral and non-polar, with aspartic acid, which is acidic and polar, at codon 235 of the FLCN protein (p.Gly235Asp). This variant is not present in population databases (gnomAD no frequency). This variant has not been reported in the literature in individuals affected with FLCN-related conditions. Advanced modeling of protein sequence and biophysical properties (such as structural, functional, and spatial information, amino acid conservation, physicochemical variation, residue mobility, and thermodynamic stability) performed at Invitae indicates that this missense variant is not expected to disrupt FLCN protein function with a negative predictive value of 80%. In summary, the available evidence is currently insufficient to determine the role of this variant in disease. Therefore, it has been classified as a Variant of Uncertain Significance.

Ambry Genetics
Classification: Uncertain significance for Hereditary cancer-predisposing syndrome. Last evaluated: 2024-02-25. Review status: criteria provided, single submitter. Criteria: Ambry Variant Classification Scheme 2023. Collection method: clinical testing. Allele origin: germline.
Comment: The p.G235D variant (also known as c.704G>A), located in coding exon 4 of the FLCN gene, results from a G to A substitution at nucleotide position 704. The glycine at codon 235 is replaced by aspartic acid, an amino acid with similar properties. This amino acid position is conserved. In addition, this alteration is predicted to be deleterious by in silico analysis. Based on the available evidence, the clinical significance of this alteration remains unclear.